The following is an entry in ClinVar:

ClinVar aggregate classification (germline): Uncertain significance (1 of 4 stars; one submission).

gnomAD v4.1: 9 of 1,614,164 alleles (0.00056%); highest among the groups gnomAD compares: Admixed American, 0.0083%; no homozygotes.

Submission:

Labcorp Genetics (formerly Invitae), Labcorp
Classification: Uncertain significance. Last evaluated: 2024-03-15. Review status: criteria provided, single submitter. Criteria: Invitae Variant Classification Sherloc (09022015). Collection method: clinical testing. Allele origin: germline.
Comment: This sequence change replaces glycine, which is neutral and non-polar, with aspartic acid, which is acidic and polar, at codon 1142 of the CTR9 protein (p.Gly1142Asp). This variant is present in population databases (rs767925784, gnomAD 0.01%). This variant has not been reported in the literature in individuals affected with CTR9-related conditions. ClinVar contains an entry for this variant (Variation ID: 1345095). An algorithm developed to predict the effect of missense changes on protein structure and function (PolyPhen-2) suggests that this variant is likely to be disruptive. In summary, the available evidence is currently insufficient to determine the role of this variant in disease. Therefore, it has been classified as a Variant of Uncertain Significance.

NM_014633.5(CTR9):c.3425G>A (p.Gly1142Asp)

Gene: CTR9 (CTR9 component of Paf1/RNA polymerase II complex; plus strand). Cytogenetic location: 11p15.4.
Variant type: single nucleotide variant.
Coding change: c.3425G>A on transcript NM_014633.5 (MANE Select); coding-DNA position 3425, G replaced by A.
Protein change: p.Gly1142Asp; replaces glycine 1142 with aspartic acid.
Molecular consequence: missense variant.
Genome position (GRCh38, 1-based): chr11:10,779,008, G>A. VCF-style: chr11-10779008-G-A. GRCh37 (hg19) VCF-style: chr11-10800555-G-A.
Other names: c.3353G>A, p.Gly1118Asp (NM_001346279.2); short protein forms G1118D, G1142D.
Identifiers: ClinVar variation 1345095 (VCV001345095.8), dbSNP rs767925784, ClinGen allele CA5885587.